The following is an entry in ClinVar:

ClinVar aggregate classification (germline): Uncertain significance (1 of 4 stars; one submission).

Allele frequency attached by ClinVar (database versions not stated): ExAC 0.00001; gnomAD 0.00001; TOPMed 0.00001.
gnomAD v4.1: 14 of 1,613,686 alleles (0.00087%); highest among the groups gnomAD compares: Non-Finnish European, 0.0011%; no homozygotes.

Submission:

Labcorp Genetics (formerly Invitae), Labcorp
Classification: Uncertain significance. Last evaluated: 2024-11-20. Review status: criteria provided, single submitter. Criteria: Invitae Variant Classification Sherloc (09022015). Collection method: clinical testing. Allele origin: germline.
Comment: This sequence change replaces threonine, which is neutral and polar, with alanine, which is neutral and non-polar, at codon 478 of the MYO3A protein (p.Thr478Ala). This variant is present in population databases (rs748220377, gnomAD 0.002%). This variant has not been reported in the literature in individuals affected with MYO3A-related conditions. ClinVar contains an entry for this variant (Variation ID: 2894054). Invitae Evidence Modeling of protein sequence and biophysical properties (such as structural, functional, and spatial information, amino acid conservation, physicochemical variation, residue mobility, and thermodynamic stability) indicates that this missense variant is expected to disrupt MYO3A protein function with a positive predictive value of 80%. In summary, the available evidence is currently insufficient to determine the role of this variant in disease. Therefore, it has been classified as a Variant of Uncertain Significance.

NM_017433.5(MYO3A):c.1432A>G (p.Thr478Ala)

Gene: MYO3A (myosin IIIA; plus strand). Cytogenetic location: 10p12.1.
Variant type: single nucleotide variant.
Coding change: c.1432A>G on transcript NM_017433.5 (MANE Select); coding-DNA position 1432, A replaced by G.
Protein change: p.Thr478Ala; replaces threonine 478 with alanine.
Molecular consequence: missense variant.
Genome position (GRCh38, 1-based): chr10:26,088,275, A>G. VCF-style: chr10-26088275-A-G. GRCh37 (hg19) VCF-style: chr10-26377204-A-G.
Other names: short protein forms T478A.
Identifiers: ClinVar variation 2894054 (VCV002894054.3), dbSNP rs748220377, ClinGen allele CA5444669.